The following is an entry in ClinVar:

NM_001709.5(BDNF):c.480G>A (p.Ser160=)

Genes: BDNF (brain derived neurotrophic factor; minus strand), BDNF-AS (BDNF antisense RNA; plus strand). Cytogenetic location: 11p14.1.
Variant type: single nucleotide variant.
Coding change: c.480G>A on transcript NM_001709.5 (MANE Select); coding-DNA position 480, G replaced by A.
Protein change: p.Ser160=; no amino-acid change (serine 160 retained).
Molecular consequence: synonymous variant.
Genome position (GRCh38, 1-based): chr11:27,658,085, C>T on the plus strand (G>A on the coding strand, the complement: BDNF is on the minus strand). VCF-style: chr11-27658085-C-T. GRCh37 (hg19) VCF-style: chr11-27679632-C-T.
Other names: c.480G>A, p.Ser160= (NM_001143805.1, NM_001143806.1, NM_001143807.2 and 9 more transcripts); c.567G>A, p.Ser189= (NM_001143809.2); c.726G>A, p.Ser242= (NM_001143810.2); c.504G>A, p.Ser168= (NM_170731.5); c.525G>A, p.Ser175= (NM_170734.4).
Identifiers: ClinVar variation 3043298 (VCV003043298.3), dbSNP rs370102323, ClinGen allele CA5929088.
Genomic context (GRCh38, chr11:27,658,085, plus strand): 5'-GTATTGCTTCAGTTGGCCTTTTGATACAGGGACCTTTTCAAGGACTGTGACCGTCCCGCC[C>T]GACATGTCCACTGCAGTCTTTTTGTCTGCCGCCGTTACCCACTCACTAATACTGTCACAC-3'
Protein context (NP_001700.2, residues 150-170): AADKKTAVDM[Ser160=]GGTVTVLEKV

ClinVar aggregate classification (germline): Uncertain significance. Review status: criteria provided, single submitter (1 of 4 stars). 2 submissions from 2 submitters: Uncertain significance (1). 1 of the submissions does not count toward it. Last evaluated 2025-12-16.

Conditions:
BDNF-related disorder. Also called: BDNF-related condition.

Allele frequency attached by ClinVar (database versions not stated): gnomAD 0.00003; gnomAD exomes 0.00009.
gnomAD v4.1: 136 of 1,614,042 alleles (0.0084%); highest among the groups gnomAD compares: Non-Finnish European, 0.011%; no homozygotes.

Submissions (2):

Labcorp Genetics (formerly Invitae), Labcorp
Classification: Uncertain significance. Last evaluated: 2025-12-16. Review status: criteria provided, single submitter. Criteria: Invitae Variant Classification Sherloc (09022015). Collection method: clinical testing. Allele origin: germline.
Comment: This sequence change affects codon 160 of the BDNF mRNA. It is a 'silent' change, meaning that it does not change the encoded amino acid sequence of the BDNF protein. This variant is present in population databases (rs370102323, gnomAD 0.007%). This variant has not been reported in the literature in individuals affected with BDNF-related conditions. ClinVar contains an entry for this variant (Variation ID: 3043298). In summary, the available evidence is currently insufficient to determine the role of this variant in disease. Therefore, it has been classified as a Variant of Uncertain Significance.

PreventionGenetics, part of Exact Sciences
Classification: Likely benign for BDNF-related condition. Last evaluated: 2021-07-16. Review status: no assertion criteria provided. Collection method: clinical testing. Allele origin: germline. Not counted in ClinVar's aggregate classification.
Comment: This variant is classified as likely benign based on ACMG/AMP sequence variant interpretation guidelines (Richards et al. 2015 PMID: 25741868, with internal and published modifications).